The following is an entry in ClinVar:

ClinVar aggregate classification (germline): Pathogenic/Likely pathogenic. Review status: criteria provided, multiple submitters, no conflicts (2 of 4 stars). 2 submissions from 2 submitters: Pathogenic (1); Likely pathogenic (1). Last evaluated 2024-10-29.

Submissions (2):

Dasa
Classification: Likely pathogenic. Last evaluated: 2024-10-29. Review status: criteria provided, single submitter. Criteria: DASA Assertion Criteria. Collection method: clinical testing. Allele origin: germline.
Comment: NM_000539.3(RHO):c.545G>A (p.Gly182Asp) is a missense variant that results in the substitution of glycine with aspartic acid. The affected residue or protein region has prior evidence supporting clinical relevance. This variant has been reported in individuals with RHO-related disorders. Also, this variant is absent from population databases. Computational evidence supports a deleterious effect. Based on the currently available evidence, this variant is classified as likely pathogenic.

Labcorp Genetics (formerly Invitae), Labcorp
Classification: Pathogenic. Last evaluated: 2022-06-20. Review status: criteria provided, single submitter. Criteria: Invitae Variant Classification Sherloc (09022015). Collection method: clinical testing. Allele origin: germline.
Comment: This sequence change replaces glycine, which is neutral and non-polar, with aspartic acid, which is acidic and polar, at codon 182 of the RHO protein (p.Gly182Asp). For these reasons, this variant has been classified as Pathogenic. This variant disrupts the p.Gly182 amino acid residue in RHO. Other variant(s) that disrupt this residue have been determined to be pathogenic (PMID: 1897520, 25221422, 25366773, 29847639; Invitae). This suggests that this residue is clinically significant, and that variants that disrupt this residue are likely to be disease-causing. Advanced modeling of protein sequence and biophysical properties (such as structural, functional, and spatial information, amino acid conservation, physicochemical variation, residue mobility, and thermodynamic stability) performed at Invitae indicates that this missense variant is expected to disrupt RHO protein function. ClinVar contains an entry for this variant (Variation ID: 1038982). This missense change has been observed in individuals with autosomal dominant retinal dystrophy (Invitae). This variant is not present in population databases (gnomAD no frequency).

Literature cited by the submitters: PubMed 1897520 (cited by Labcorp Genetics (formerly Invitae), Labcorp); PubMed 25221422 (cited by Labcorp Genetics (formerly Invitae), Labcorp); PubMed 25366773 (cited by Labcorp Genetics (formerly Invitae), Labcorp); PubMed 29847639 (cited by Labcorp Genetics (formerly Invitae), Labcorp).

NM_000539.3(RHO):c.545G>A (p.Gly182Asp)

Gene: RHO (rhodopsin; plus strand). Cytogenetic location: 3q22.1.
Variant type: single nucleotide variant.
Coding change: c.545G>A on transcript NM_000539.3 (MANE Select); coding-DNA position 545, G replaced by A.
Protein change: p.Gly182Asp; replaces glycine 182 with aspartic acid.
Molecular consequence: missense variant.
Genome position (GRCh38, 1-based): chr3:129,532,265, G>A. VCF-style: chr3-129532265-G-A. GRCh37 (hg19) VCF-style: chr3-129251108-G-A.
Other names: short protein forms G182D.
Identifiers: ClinVar variation 1038982 (VCV001038982.10), dbSNP rs2084785574, ClinGen allele CA354499146.